The following is an entry in ClinVar:

ClinVar aggregate classification (germline): Uncertain significance (1 of 4 stars; one submission).

Conditions:
Holoprosencephaly 5 (HPE5). Identifiers: Orphanet 2162, MedGen C1864827, MONDO:0012322, OMIM 609637.

Submission:

Labcorp Genetics (formerly Invitae), Labcorp
Classification: Uncertain significance for Holoprosencephaly 5. Last evaluated: 2023-05-12. Review status: criteria provided, single submitter. Criteria: Invitae Variant Classification Sherloc (09022015). Collection method: clinical testing. Allele origin: germline.
Comment: This sequence change replaces lysine, which is basic and polar, with arginine, which is basic and polar, at codon 270 of the ZIC2 protein (p.Lys270Arg). This variant is not present in population databases (gnomAD no frequency). This variant has not been reported in the literature in individuals affected with ZIC2-related conditions. Advanced modeling of protein sequence and biophysical properties (such as structural, functional, and spatial information, amino acid conservation, physicochemical variation, residue mobility, and thermodynamic stability) performed at Invitae indicates that this missense variant is not expected to disrupt ZIC2 protein function. In summary, the available evidence is currently insufficient to determine the role of this variant in disease. Therefore, it has been classified as a Variant of Uncertain Significance.

NM_007129.5(ZIC2):c.809A>G (p.Lys270Arg)

Gene: ZIC2 (Zic family zinc finger 2; plus strand). Cytogenetic location: 13q32.3.
Variant type: single nucleotide variant.
Coding change: c.809A>G on transcript NM_007129.5 (MANE Select); coding-DNA position 809, A replaced by G.
Protein change: p.Lys270Arg; replaces lysine 270 with arginine.
Molecular consequence: missense variant.
Genome position (GRCh38, 1-based): chr13:99,982,873, A>G. VCF-style: chr13-99982873-A-G. GRCh37 (hg19) VCF-style: chr13-100635127-A-G.
Other names: short protein forms K270R.
Identifiers: ClinVar variation 2821158 (VCV002821158.3), dbSNP rs2501544796, ClinGen allele CA388638122.
Genomic context (GRCh38, chr13:99,982,873, plus strand): 5'-AGTGCATCAAGCAGGAGCTAATCTGCAAGTGGATCGACCCCGAGCAACTGAGCAATCCCA[A>G]GAAGAGCTGCAACAAAACTTTCAGCACCATGCACGAGCTGGTGACACACGTCTCGGTGGA-3'
Protein context (NP_009060.2, residues 260-280): WIDPEQLSNP[Lys270Arg]KSCNKTFSTM